The following is an entry in ClinVar:

NM_203447.4(DOCK8):c.1796C>T (p.Pro599Leu)

Gene: DOCK8 (dedicator of cytokinesis 8; plus strand). Cytogenetic location: 9p24.3.
Variant type: single nucleotide variant.
Coding change: c.1796C>T on transcript NM_203447.4 (MANE Select); coding-DNA position 1796, C replaced by T.
Protein change: p.Pro599Leu; replaces proline 599 with leucine.
Molecular consequence: missense variant.
Genome position (GRCh38, 1-based): chr9:368,134, C>T. VCF-style: chr9-368134-C-T. GRCh37 (hg19) VCF-style: chr9-368134-C-T.
Other names: c.1592C>T, p.Pro531Leu (NM_001190458.2, NM_001193536.2); short protein forms P531L, P599L.
Identifiers: ClinVar variation 1941136 (VCV001941136.4), dbSNP rs371700985, ClinGen allele CA4957878.

ClinVar aggregate classification (germline): Uncertain significance (1 of 4 stars; one submission).

Allele frequency attached by ClinVar (database versions not stated): TOPMed below 0.00001; gnomAD exomes 0.00001; ExAC 0.00002; ESP Exome Variant Server 0.00008.
gnomAD v4.1: 13 of 1,612,906 alleles (0.00081%); highest among the groups gnomAD compares: Non-Finnish European, 0.00093%; no homozygotes.

Submission:

Labcorp Genetics (formerly Invitae), Labcorp
Classification: Uncertain significance for Combined immunodeficiency due to DOCK8 deficiency. Last evaluated: 2022-10-23. Review status: criteria provided, single submitter. Criteria: Invitae Variant Classification Sherloc (09022015). Collection method: clinical testing. Allele origin: germline.
Comment: This sequence change replaces proline, which is neutral and non-polar, with leucine, which is neutral and non-polar, at codon 599 of the DOCK8 protein (p.Pro599Leu). This variant is present in population databases (rs371700985, gnomAD 0.009%). This variant has not been reported in the literature in individuals affected with DOCK8-related conditions. Algorithms developed to predict the effect of missense changes on protein structure and function are either unavailable or do not agree on the potential impact of this missense change (SIFT: "Tolerated"; PolyPhen-2: "Probably Damaging"; Align-GVGD: "Class C0"). In summary, the available evidence is currently insufficient to determine the role of this variant in disease. Therefore, it has been classified as a Variant of Uncertain Significance.